The following is an entry in ClinVar:

NM_004082.5(DCTN1):c.2429C>G (p.Ala810Gly)

Gene: DCTN1 (dynactin subunit 1; minus strand). Cytogenetic location: 2p13.1.
Variant type: single nucleotide variant.
Coding change: c.2429C>G on transcript NM_004082.5 (MANE Select); coding-DNA position 2429, C replaced by G.
Protein change: p.Ala810Gly; replaces alanine 810 with glycine.
Molecular consequence: missense variant. On other transcripts: non-coding transcript variant (1).
Genome position (GRCh38, 1-based): chr2:74,366,820, G>C on the plus strand (C>G on the coding strand, the complement: DCTN1 is on the minus strand). VCF-style: chr2-74366820-G-C. GRCh37 (hg19) VCF-style: chr2-74593947-G-C.
Other names: c.2369C>G, p.Ala790Gly (NM_001135040.3); c.2027C>G, p.Ala676Gly (NM_001135041.3, NM_023019.4); c.2318C>G, p.Ala773Gly (NM_001190836.2); c.2408C>G, p.Ala803Gly (NM_001190837.2); c.2378C>G, p.Ala793Gly (NM_001378991.1); c.2360C>G, p.Ala787Gly (NM_001378992.1); short protein forms A810G, A676G, A803G, A790G, A787G, A793G, A773G.
Identifiers: ClinVar variation 1434187 (VCV001434187.8), dbSNP rs372500630, ClinGen allele CA50475094.

ClinVar aggregate classification (germline): Uncertain significance (1 of 4 stars; one submission).

Conditions:
Neuronopathy, distal hereditary motor, type 7B. Also called: HMN VIIB; NEURONOPATHY, DISTAL HEREDITARY MOTOR, AUTOSOMAL DOMINANT 14; NEURONOPATHY, DISTAL HEREDITARY MOTOR, HARDING TYPE VIIB; NEUROPATHY, DISTAL HEREDITARY MOTOR, HARDING TYPE VIIB; NEUROPATHY, DISTAL HEREDITARY MOTOR, WITH VOCAL CORD PARALYSIS, HARDING TYPE VIIB; LOWER MOTOR NEURON DISEASE, DYNACTIN TYPE. Identifiers: Orphanet 139589, MedGen C1843315, MONDO:0011879, OMIM 607641.
Perry syndrome. Also called: PARKINSONISM WITH ALVEOLAR HYPOVENTILATION AND MENTAL DEPRESSION. Identifiers: Orphanet 178509, MedGen C1868594, MONDO:0008201, OMIM 168605.
Amyotrophic lateral sclerosis type 1 (ALS1). Also called: AMYOTROPHIC LATERAL SCLEROSIS 1, FAMILIAL. Identifiers: Orphanet 803, MedGen C1862939, MONDO:0007103, OMIM 105400.

Allele frequency attached by ClinVar (database versions not stated): ESP Exome Variant Server 0.00008.
gnomAD v4.1: 8 of 1,614,250 alleles (0.0005%); highest among the groups gnomAD compares: African/African-American, 0.0013%; no homozygotes.

Submission:

Labcorp Genetics (formerly Invitae), Labcorp
Classification: Uncertain significance for Amyotrophic lateral sclerosis type 1; Neuronopathy, distal hereditary motor, type 7B; Perry syndrome. Last evaluated: 2025-05-28. Review status: criteria provided, single submitter. Criteria: Invitae Variant Classification Sherloc (09022015). Collection method: clinical testing. Allele origin: germline.
Comment: This sequence change replaces alanine, which is neutral and non-polar, with glycine, which is neutral and non-polar, at codon 810 of the DCTN1 protein (p.Ala810Gly). This variant is not present in population databases (gnomAD no frequency). This variant has not been reported in the literature in individuals affected with DCTN1-related conditions. ClinVar contains an entry for this variant (Variation ID: 1434187). Invitae Evidence Modeling of protein sequence and biophysical properties (such as structural, functional, and spatial information, amino acid conservation, physicochemical variation, residue mobility, and thermodynamic stability) indicates that this missense variant is not expected to disrupt DCTN1 protein function with a negative predictive value of 95%. In summary, the available evidence is currently insufficient to determine the role of this variant in disease. Therefore, it has been classified as a Variant of Uncertain Significance.